The following is an entry in ClinVar:

ClinVar aggregate classification (germline): Pathogenic/Likely pathogenic. Review status: criteria provided, multiple submitters, no conflicts (2 of 4 stars). 3 submissions from 3 submitters: Pathogenic (2); Likely pathogenic (1). Last evaluated 2025-08-03.

Conditions:
LAMA2-related muscular dystrophy (LAMA2-RD). Also called: Laminin alpha 2-related dystrophy. Identifiers: MedGen C5679788, MONDO:0100228.
Muscular dystrophy, limb-girdle, autosomal recessive 23. Identifiers: Orphanet 565837, MedGen C4748327, MONDO:0029136, OMIM 618138.

Submissions (3):

Myriad Genetics, Inc.
Classification: Pathogenic for LAMA2-related muscular dystrophy. Last evaluated: 2025-08-03. Review status: criteria provided, single submitter. Criteria: Myriad Autosomal Dominant, Autosomal Recessive and X-Linked Classification Criteria (2023). Collection method: clinical testing. Allele origin: unknown.
Comment: NM_000426.3(LAMA2):c.7521dupT(I2508Yfs*4) is expected to be pathogenic in the context of muscular dystrophy, LAMA2-related. This variant is predicted to lead to an abnormal or absent protein product due to the creation of a premature termination codon in LAMA2, a gene where loss-of-function variants are known to be pathogenic. Please note: this variant was assessed in the context of healthy population screening.

Labcorp Genetics (formerly Invitae), Labcorp
Classification: Pathogenic for LAMA2-related muscular dystrophy. Last evaluated: 2024-10-29. Review status: criteria provided, single submitter. Criteria: Invitae Variant Classification Sherloc (09022015). Collection method: clinical testing. Allele origin: germline.
Comment: This sequence change creates a premature translational stop signal (p.Ile2508Tyrfs*4) in the LAMA2 gene. It is expected to result in an absent or disrupted protein product. Loss-of-function variants in LAMA2 are known to be pathogenic (PMID: 18700894, 32904964). This variant is not present in population databases (gnomAD no frequency). This premature translational stop signal has been observed in individual(s) with LAMA2-related conditions (PMID: 33304817). ClinVar contains an entry for this variant (Variation ID: 637036). Algorithms developed to predict the effect of sequence changes on RNA splicing suggest that this variant may disrupt the consensus splice site. For these reasons, this variant has been classified as Pathogenic.

Laboratory of Medical Genetics, National & Kapodistrian University of Athens
Classification: Likely pathogenic for Muscular dystrophy, limb-girdle, autosomal recessive 23. Last evaluated: 2018-09-17. Review status: criteria provided, single submitter. Criteria: ACMG Guidelines, 2015. Collection method: clinical testing. Allele origin: germline. Affected: yes.
Comment: PVS1, PM2

Literature cited by the submitters: PubMed 18700894 (cited by Labcorp Genetics (formerly Invitae), Labcorp); PubMed 32904964 (cited by Labcorp Genetics (formerly Invitae), Labcorp); PubMed 33304817 (cited by Labcorp Genetics (formerly Invitae), Labcorp).

NM_000426.4(LAMA2):c.7521dup (p.Ile2508fs)

Gene: LAMA2 (laminin subunit alpha 2; plus strand). Cytogenetic location: 6q22.33.
Variant type: Duplication.
Coding change: c.7521dup on transcript NM_000426.4 (MANE Select); coding-DNA position 7521, one base duplicated (T; older notation c.7521dupT).
Protein change: p.Ile2508fs; shifts the reading frame from isoleucine 2508.
Molecular consequence: frameshift variant.
Genome position (GRCh38, 1-based): chr6:129,478,762, T duplicated. VCF-style (leftmost placement, unchanged base first): chr6-129478761-A-AT. GRCh37 (hg19) VCF-style: chr6-129799906-A-AT.
Other names: c.7521dupT (NM_000426.3); c.7509dup, p.Ile2504fs (NM_001079823.2); short protein forms I2504fs, I2508fs.
Identifiers: ClinVar variation 637036 (VCV000637036.4), dbSNP rs1583845651, ClinGen allele CA915942781.